The following is an entry in ClinVar:

NM_000051.4(ATM):c.1658G>A (p.Gly553Glu)

Gene: ATM (ATM serine/threonine kinase; plus strand). Cytogenetic location: 11q22.3.
Variant type: single nucleotide variant.
Coding change: c.1658G>A on transcript NM_000051.4 (MANE Select); coding-DNA position 1658, G replaced by A.
Protein change: p.Gly553Glu; replaces glycine 553 with glutamic acid.
Molecular consequence: missense variant.
Genome position (GRCh38, 1-based): chr11:108,251,887, G>A. VCF-style: chr11-108251887-G-A. GRCh37 (hg19) VCF-style: chr11-108122614-G-A.
Other names: c.1658G>A, p.Gly553Glu (NM_001351834.2); short protein forms G553E.
Identifiers: ClinVar variation 1984568 (VCV001984568.4), dbSNP rs1273181314, ClinGen allele CA382535063.

ClinVar aggregate classification (germline): Uncertain significance (1 of 4 stars; one submission).

Conditions:
Ataxia-telangiectasia syndrome (AT). Also called: Ataxia telangiectasia (A-T); Cerebello-oculocutaneous telangiectasia; Immunodeficiency with ataxia telangiectasia; Ataxia-telangiectasia, complementation group D; Ataxia-telangiectasia, complementation group E; LOUIS-BAR SYNDROME. Identifiers: Orphanet 100, MedGen C0004135, MONDO:0008840, OMIM 208900.

Allele frequency attached by ClinVar (database versions not stated): gnomAD exomes below 0.00001.
gnomAD v4.1: 2 of 1,613,886 alleles (0.00012%); highest among the groups gnomAD compares: Non-Finnish European, 0.00017%; no homozygotes.

Submission:

Labcorp Genetics (formerly Invitae), Labcorp
Classification: Uncertain significance for Ataxia-telangiectasia syndrome. Last evaluated: 2022-09-26. Review status: criteria provided, single submitter. Criteria: Invitae Variant Classification Sherloc (09022015). Collection method: clinical testing. Allele origin: germline.
Comment: This sequence change replaces glycine, which is neutral and non-polar, with glutamic acid, which is acidic and polar, at codon 553 of the ATM protein (p.Gly553Glu). This variant is present in population databases (no rsID available, gnomAD 0.0009%). This variant has not been reported in the literature in individuals affected with ATM-related conditions. Algorithms developed to predict the effect of missense changes on protein structure and function output the following: SIFT: "Tolerated"; PolyPhen-2: "Benign"; Align-GVGD: "Class C0". The glutamic acid amino acid residue is found in multiple mammalian species, which suggests that this missense change does not adversely affect protein function. Algorithms developed to predict the effect of sequence changes on RNA splicing suggest that this variant may create or strengthen a splice site. In summary, the available evidence is currently insufficient to determine the role of this variant in disease. Therefore, it has been classified as a Variant of Uncertain Significance.